The following is an entry in ClinVar:

NM_024496.4(IRF2BPL):c.995C>T (p.Pro332Leu)

Gene: IRF2BPL (interferon regulatory factor 2 binding protein like; minus strand). Cytogenetic location: 14q24.3.
Variant type: single nucleotide variant.
Coding change: c.995C>T on transcript NM_024496.4 (MANE Select); coding-DNA position 995, C replaced by T.
Protein change: p.Pro332Leu; replaces proline 332 with leucine.
Molecular consequence: missense variant.
Genome position (GRCh38, 1-based): chr14:77,026,798, G>A on the plus strand (C>T on the coding strand, the complement: IRF2BPL is on the minus strand). VCF-style: chr14-77026798-G-A. GRCh37 (hg19) VCF-style: chr14-77493141-G-A.
Other names: short protein forms P332L.
Identifiers: ClinVar variation 3342478 (VCV003342478.1).

ClinVar aggregate classification (germline): Uncertain significance (1 of 4 stars; one submission).

Submission:

GeneDx
Classification: Uncertain significance. Last evaluated: 2023-11-20. Review status: criteria provided, single submitter. Criteria: GeneDx Variant Classification Process June 2021. Collection method: clinical testing. Allele origin: germline. Affected: yes.
Comment: Not observed at significant frequency in large population cohorts (gnomAD); In silico analysis supports that this missense variant has a deleterious effect on protein structure/function; Has not been previously published as pathogenic or benign to our knowledge